The following is an entry in ClinVar:

ClinVar aggregate classification (germline): Uncertain significance. Review status: criteria provided, multiple submitters, no conflicts (2 of 4 stars). 2 submissions from 2 submitters: Uncertain significance (2). Last evaluated 2023-05-16.

Conditions:
Inborn genetic diseases. Identifiers: MedGen C0950123, MeSH D030342.
Hereditary sensory neuropathy-deafness-dementia syndrome. Also called: Hereditary sensory neuropathy type IE; NEUROPATHY, HEREDITARY SENSORY, WITH HEARING LOSS AND DEMENTIA; Hereditary Sensory and Autonomic Neuropathy Type 1E (HSAN1E); HSN IE. Identifiers: Orphanet 456318, MedGen C3279885, MONDO:0013584, OMIM 614116.

Allele frequency attached by ClinVar (database versions not stated): gnomAD exomes below 0.00001; gnomAD 0.00001; TOPMed 0.00001; ExAC 0.00002.
gnomAD v4.1: 5 of 1,613,976 alleles (0.00031%); highest among the groups gnomAD compares: Admixed American, 0.0017%; no homozygotes.

Submissions (2):

Labcorp Genetics (formerly Invitae), Labcorp
Classification: Uncertain significance for Hereditary sensory neuropathy-deafness-dementia syndrome. Last evaluated: 2023-05-16. Review status: criteria provided, single submitter. Criteria: Invitae Variant Classification Sherloc (09022015). Collection method: clinical testing. Allele origin: germline.
Comment: In summary, the available evidence is currently insufficient to determine the role of this variant in disease. Therefore, it has been classified as a Variant of Uncertain Significance. An algorithm developed to predict the effect of missense changes on protein structure and function (PolyPhen-2) suggests that this variant is likely to be disruptive. ClinVar contains an entry for this variant (Variation ID: 1797393). This variant has not been reported in the literature in individuals affected with DNMT1-related conditions. This variant is present in population databases (rs753670606, gnomAD 0.003%). This sequence change replaces histidine, which is basic and polar, with tyrosine, which is neutral and polar, at codon 97 of the DNMT1 protein (p.His97Tyr).

Ambry Genetics
Classification: Uncertain significance for Inborn genetic diseases. Last evaluated: 2021-04-12. Review status: criteria provided, single submitter. Criteria: Ambry Variant Classification Scheme 2023. Collection method: clinical testing. Allele origin: germline.
Comment: The p.H97Y variant (also known as c.289C>T), located in coding exon 4 of the DNMT1 gene, results from a C to T substitution at nucleotide position 289. The histidine at codon 97 is replaced by tyrosine, an amino acid with similar properties. This amino acid position is well conserved in available vertebrate species. In addition, this alteration is predicted to be tolerated by in silico analysis. Since supporting evidence is limited at this time, the clinical significance of this alteration remains unclear.

NM_001130823.3(DNMT1):c.289C>T (p.His97Tyr)

Gene: DNMT1 (DNA methyltransferase 1; minus strand). Cytogenetic location: 19p13.2.
Variant type: single nucleotide variant.
Coding change: c.289C>T on transcript NM_001130823.3 (MANE Select); coding-DNA position 289, C replaced by T.
Protein change: p.His97Tyr; replaces histidine 97 with tyrosine.
Molecular consequence: missense variant. On other transcripts: 5 prime UTR variant (1).
Genome position (GRCh38, 1-based): chr19:10,180,506, G>A on the plus strand (C>T on the coding strand, the complement: DNMT1 is on the minus strand). VCF-style: chr19-10180506-G-A. GRCh37 (hg19) VCF-style: chr19-10291182-G-A.
Other names: c.289C>T, p.His97Tyr (NM_001318730.2, NM_001379.4); c.-75C>T (NM_001318731.2); short protein forms H97Y.
Identifiers: ClinVar variation 1797393 (VCV001797393.5), dbSNP rs753670606, ClinGen allele CA9188802.